The following is an entry in ClinVar:

NM_000082.4(ERCC8):c.1068C>A (p.Cys356Ter)

Gene: ERCC8 (ERCC excision repair 8, CSA ubiquitin ligase complex subunit; minus strand). Cytogenetic location: 5q12.1.
Variant type: single nucleotide variant.
Coding change: c.1068C>A on transcript NM_000082.4 (MANE Select); coding-DNA position 1068, C replaced by A.
Protein change: p.Cys356Ter; replaces cysteine 356 with a stop codon.
Molecular consequence: nonsense.
Genome position (GRCh38, 1-based): chr5:60,887,494, G>T on the plus strand (C>A on the coding strand, the complement: ERCC8 is on the minus strand). VCF-style: chr5-60887494-G-T. GRCh37 (hg19) VCF-style: chr5-60183321-G-T.
Other names: c.894C>A, p.Cys298Ter (NM_001007233.3); c.609C>A, p.Cys203Ter (NM_001290285.2); short protein forms C203*, C298*, C356*.
Identifiers: ClinVar variation 934772 (VCV000934772.7), dbSNP rs141898557, ClinGen allele CA3277634.

ClinVar aggregate classification (germline): Pathogenic (1 of 4 stars; one submission).

Allele frequency attached by ClinVar (database versions not stated): TOPMed 0.00001; ESP Exome Variant Server 0.00008.
gnomAD v4.1: 75 of 1,613,766 alleles (0.0046%); highest among the groups gnomAD compares: Non-Finnish European, 0.0063%; no homozygotes.

Submission:

Labcorp Genetics (formerly Invitae), Labcorp
Classification: Pathogenic. Last evaluated: 2024-02-05. Review status: criteria provided, single submitter. Criteria: Invitae Variant Classification Sherloc (09022015). Collection method: clinical testing. Allele origin: germline.
Comment: This sequence change creates a premature translational stop signal (p.Cys356*) in the ERCC8 gene. It is expected to result in an absent or disrupted protein product. Loss-of-function variants in ERCC8 are known to be pathogenic (PMID: 29572252). This variant is present in population databases (rs141898557, gnomAD 0.002%). This variant has not been reported in the literature in individuals affected with ERCC8-related conditions. ClinVar contains an entry for this variant (Variation ID: 934772). For these reasons, this variant has been classified as Pathogenic.

Literature cited by the submitters: PubMed 29572252.